The following is an entry in ClinVar:

NM_000432.4(MYL2):c.28G>C (p.Ala10Pro)

Genes: MYL2 (myosin light chain 2; minus strand), LOC114827850 (VISTA enhancer hs2149; plus strand). Cytogenetic location: 12q24.11.
Variant type: single nucleotide variant.
Coding change: c.28G>C on transcript NM_000432.4 (MANE Select); coding-DNA position 28, G replaced by C.
Protein change: p.Ala10Pro; replaces alanine 10 with proline.
Molecular consequence: missense variant.
Genome position (GRCh38, 1-based): chr12:110,919,169, C>G on the plus strand (G>C on the coding strand, the complement: MYL2 is on the minus strand). VCF-style: chr12-110919169-C-G. GRCh37 (hg19) VCF-style: chr12-111356973-C-G.
Other names: short protein forms A10P.
Identifiers: ClinVar variation 1473801 (VCV001473801.6), dbSNP rs730880942, ClinGen allele CA386700323.

ClinVar aggregate classification (germline): Uncertain significance (1 of 4 stars; one submission).

Conditions:
Hypertrophic cardiomyopathy 10. Also called: CARDIOMYOPATHY, HYPERTROPHIC, MID-LEFT VENTRICULAR CHAMBER TYPE, 2; MYL2-Related Familial Hypertrophic Cardiomyopathy. Identifiers: MedGen C1834460, MONDO:0012112, OMIM 608758.

Submission:

Labcorp Genetics (formerly Invitae), Labcorp
Classification: Uncertain significance for Hypertrophic cardiomyopathy 10. Last evaluated: 2021-09-08. Review status: criteria provided, single submitter. Criteria: Invitae Variant Classification Sherloc (09022015). Collection method: clinical testing. Allele origin: germline.
Comment: This variant has not been reported in the literature in individuals affected with MYL2-related conditions. This variant is not present in population databases (ExAC no frequency). This sequence change replaces alanine with proline at codon 10 of the MYL2 protein (p.Ala10Pro). The alanine residue is moderately conserved and there is a small physicochemical difference between alanine and proline. Algorithms developed to predict the effect of missense changes on protein structure and function output the following: SIFT: "Tolerated"; PolyPhen-2: "Not Available"; Align-GVGD: "Class C0". The proline amino acid residue is found in multiple mammalian species, which suggests that this missense change does not adversely affect protein function. In summary, the available evidence is currently insufficient to determine the role of this variant in disease. Therefore, it has been classified as a Variant of Uncertain Significance.